The following is an entry in ClinVar:

NM_001297.5(CNGB1):c.2045A>G (p.Tyr682Cys)

Gene: CNGB1 (cyclic nucleotide gated channel subunit beta 1; minus strand). Cytogenetic location: 16q21.
Variant type: single nucleotide variant.
Coding change: c.2045A>G on transcript NM_001297.5 (MANE Select); coding-DNA position 2045, A replaced by G.
Protein change: p.Tyr682Cys; replaces tyrosine 682 with cysteine.
Molecular consequence: missense variant.
Genome position (GRCh38, 1-based): chr16:57,917,389, T>C on the plus strand (A>G on the coding strand, the complement: CNGB1 is on the minus strand). VCF-style: chr16-57917389-T-C. GRCh37 (hg19) VCF-style: chr16-57951293-T-C.
Other names: c.2027A>G, p.Tyr676Cys (NM_001286130.2); short protein forms Y676C, Y682C.
Identifiers: ClinVar variation 1946154 (VCV001946154.5), dbSNP rs2544633417, ClinGen allele CA396064422.

ClinVar aggregate classification (germline): Uncertain significance (1 of 4 stars; one submission).

Submission:

Labcorp Genetics (formerly Invitae), Labcorp
Classification: Uncertain significance. Last evaluated: 2022-09-13. Review status: criteria provided, single submitter. Criteria: Invitae Variant Classification Sherloc (09022015). Collection method: clinical testing. Allele origin: germline.
Comment: In summary, the available evidence is currently insufficient to determine the role of this variant in disease. Therefore, it has been classified as a Variant of Uncertain Significance. Advanced modeling of protein sequence and biophysical properties (such as structural, functional, and spatial information, amino acid conservation, physicochemical variation, residue mobility, and thermodynamic stability) performed at Invitae indicates that this missense variant is not expected to disrupt CNGB1 protein function. This variant has not been reported in the literature in individuals affected with CNGB1-related conditions. This variant is not present in population databases (gnomAD no frequency). This sequence change replaces tyrosine, which is neutral and polar, with cysteine, which is neutral and slightly polar, at codon 682 of the CNGB1 protein (p.Tyr682Cys).